The following is an entry in ClinVar:

ClinVar aggregate classification (germline): Conflicting classifications of pathogenicity. Review status: criteria provided, conflicting classifications (1 of 4 stars). 8 submissions from 8 submitters: Uncertain significance (1); Benign (1); Likely benign (5). 1 of the submissions does not count toward it. Last evaluated 2026-06-10.

Conditions:
EVC2-related disorder. Also called: EVC2-related condition.
Ellis-van Creveld syndrome (EVC). Also called: Chondroectodermal dysplasia; MESOECTODERMAL DYSPLASIA. Identifiers: Orphanet 289, MedGen C0013903, MONDO:0009162, OMIM 225500.
Curry-Hall syndrome (WAD). Also called: WEYERS ACRODENTAL DYSOSTOSIS. Identifiers: Orphanet 952, MedGen C0457013, MONDO:0008673, OMIM 193530.

Allele frequency attached by ClinVar (database versions not stated): 1000 Genomes Project 0.00040; gnomAD exomes 0.00040 and 0.00054; ExAC 0.00056; gnomAD 0.00080 and 0.00083; TOPMed 0.00144; 1000 Genomes Project 30x 0.00031; ESP Exome Variant Server 0.00038.
gnomAD v4.1: 726 of 1,614,192 alleles (0.045%); highest among the groups gnomAD compares: Middle Eastern, 0.76%; 6 homozygotes.

Submissions (8):

Women's Health and Genetics/Laboratory Corporation of America, LabCorp
Classification: Likely benign. Last evaluated: 2026-06-10. Review status: criteria provided, single submitter. Criteria: LabCorp Variant Classification Summary - May 2015. Collection method: clinical testing. Allele origin: germline.
Comment: Variant summary: EVC2 c.913G>T (p.Ala305Ser) results in a conservative amino acid change in the encoded protein sequence. Algorithms developed to predict the effect of missense changes on protein structure and function all suggest that this variant is likely to be tolerated. The variant allele was found at a frequency of 0.00054 in 251440 control chromosomes in the gnomAD database, including 2 homozygotes, suggesting that the variant is likely a benign polymorphism. To our knowledge, no occurrence of c.913G>T in individuals affected with EVC2-related conditions and no experimental evidence demonstrating its impact on protein function have been reported. ClinVar contains an entry for this variant (Variation ID: 461812). Based on the evidence outlined above, the variant was classified as likely benign.

Labcorp Genetics (formerly Invitae), Labcorp
Classification: Benign for Curry-Hall syndrome; Ellis-van Creveld syndrome. Last evaluated: 2026-01-28. Review status: criteria provided, single submitter. Criteria: Invitae Variant Classification Sherloc (09022015). Collection method: clinical testing. Allele origin: germline.

Blueprint Genetics
Classification: Likely benign. Last evaluated: 2024-10-31. Review status: criteria provided, single submitter. Criteria: ACMG Guidelines, 2015. Collection method: clinical testing. Allele origin: germline.

GeneDx
Classification: Likely benign. Last evaluated: 2021-01-20. Review status: criteria provided, single submitter. Criteria: GeneDx Variant Classification Process June 2021. Collection method: clinical testing. Allele origin: germline. Affected: yes.

ARUP Laboratories, Molecular Genetics and Genomics, ARUP Laboratories
Classification: Uncertain significance. Last evaluated: 2019-06-06. Review status: criteria provided, single submitter. Criteria: ARUP Molecular Germline Variant Investigation Process. Collection method: clinical testing. Allele origin: germline.
Comment: The EVC2 c.[904T>A; c.913G>T]; p.[Phe302Ile; p.Ala305Ser] complex variant (rs138728350, rs150367317), to our knowledge, is not reported in the medical literature or gene specific databases. The individual variants are reported separately as benign or likely benign in ClinVar (Variation ID: 461811, 461812), but are found in cis in the Genome Aggregation Database with an overall allele frequency of 0.05% (145/282808 alleles, including 2 homozygotes) in the general population. The phenylalanine at codon 302 and the alanine at codon 305 are both highly conserved, and computational analyses (SIFT, PolyPhen-2) predict that each variant is deleterious. Due to limited information, the clinical significance of the complex variant is uncertain at this time.

Eurofins Ntd Llc (ga)
Classification: Likely benign. Last evaluated: 2018-08-02. Review status: criteria provided, single submitter. Criteria: EGL ClinVar v180209 classification definitions. Collection method: clinical testing. Allele origin: germline. Observed: 1 variant allele, 1 heterozygote.

Illumina Laboratory Services, Illumina
Classification: Likely benign for Ellis-van Creveld syndrome. Last evaluated: 2017-09-12. Review status: criteria provided, single submitter. Criteria: ICSL Variant Classification Criteria 13 December 2019. Collection method: clinical testing. Allele origin: germline.
Comment: This variant was observed as part of a predisposition screen in an ostensibly healthy population. A literature search was performed for the gene, cDNA change, and amino acid change (where applicable). No publications were found based on this search. Allele frequency data from public databases allowed determination this variant is unlikely to cause disease. Therefore, this variant is classified as likely benign.

PreventionGenetics, part of Exact Sciences
Classification: Uncertain significance for EVC2-related condition. Last evaluated: 2024-04-04. Review status: no assertion criteria provided. Collection method: clinical testing. Allele origin: germline. Not counted in ClinVar's aggregate classification.
Comment: The EVC2 c.913G>T variant is predicted to result in the amino acid substitution p.Ala305Ser. To our knowledge, this variant has not been reported in the literature. This variant is reported in 0.078% of alleles in individuals of South Asian descent in gnomAD. Although we suspect that this variant may be benign, at this time, the clinical significance of this variant is uncertain due to the absence of conclusive functional and genetic evidence.

NM_147127.5(EVC2):c.913G>T (p.Ala305Ser)

Gene: EVC2 (EvC ciliary complex subunit 2; minus strand). Cytogenetic location: 4p16.2.
Variant type: single nucleotide variant.
Coding change: c.913G>T on transcript NM_147127.5 (MANE Select); coding-DNA position 913, G replaced by T.
Protein change: p.Ala305Ser; replaces alanine 305 with serine.
Molecular consequence: missense variant.
Genome position (GRCh38, 1-based): chr4:5,665,607, C>A on the plus strand (G>T on the coding strand, the complement: EVC2 is on the minus strand). VCF-style: chr4-5665607-C-A. GRCh37 (hg19) VCF-style: chr4-5667334-C-A.
Other names: c.673G>T, p.Ala225Ser (NM_001166136.2); short protein forms A305S, A225S.
Identifiers: ClinVar variation 461812 (VCV000461812.33), dbSNP rs150367317, ClinGen allele CA2835223.
Genomic context (GRCh38, chr4:5,665,607, plus strand): 5'-ACTGATAGCGAACCATGAGGAAGAGGGCAGCCCAGGTCAGCACAAGGGAGAGGAGGAAGG[C>A]AATGAAGAACCCTGCTGCGTGGAGGCCGTGGTGCGGCAGAACCTGTGGAGACAAGAGGAG-3'
Protein context (NP_667338.3, residues 295-315): HGLHAAGFFI[Ala305Ser]FLLSLVLTWA